The following is an entry in ClinVar:

ClinVar aggregate classification (germline): Uncertain significance (1 of 4 stars; one submission).

Allele frequency attached by ClinVar (database versions not stated): gnomAD exomes below 0.00001.
gnomAD v4.1: 1 of 1,612,854 alleles (0.000062%); highest among the groups gnomAD compares: Non-Finnish European, 0.000085%; no homozygotes.

Submission:

GeneDx
Classification: Uncertain significance. Last evaluated: 2022-04-25. Review status: criteria provided, single submitter. Criteria: GeneDx Variant Classification Process June 2021. Collection method: clinical testing. Allele origin: germline. Affected: yes.
Comment: Not observed at significant frequency in large population cohorts (gnomAD); In silico analysis supports that this missense variant has a deleterious effect on protein structure/function; Has not been previously published as pathogenic or benign to our knowledge

NM_006940.6(SOX5):c.23C>T (p.Pro8Leu)

Gene: SOX5 (SRY-box transcription factor 5; minus strand). Cytogenetic location: 12p12.1.
Variant type: single nucleotide variant.
Coding change: c.23C>T on transcript NM_006940.6 (MANE Select); coding-DNA position 23, C replaced by T.
Protein change: p.Pro8Leu; replaces proline 8 with leucine.
Molecular consequence: missense variant. On other transcripts: intron variant (3).
Genome position (GRCh38, 1-based): chr12:23,949,579, G>A on the plus strand (C>T on the coding strand, the complement: SOX5 is on the minus strand). VCF-style: chr12-23949579-G-A. GRCh37 (hg19) VCF-style: chr12-24102513-G-A.
Other names: c.23C>T, p.Pro8Leu (NM_001330785.2); c.-1-53555C>T (NM_152989.5, NM_001261414.3); c.8+1290C>T (NM_001261415.3); short protein forms P8L.
Identifiers: ClinVar variation 1712531 (VCV001712531.2), dbSNP rs2507732077, ClinGen allele CA384321256.